The following is an entry in ClinVar:

ClinVar aggregate classification (germline): Uncertain significance (1 of 4 stars; one submission).

Submission:

Women's Health and Genetics/Laboratory Corporation of America, LabCorp
Classification: Uncertain significance. Last evaluated: 2024-12-10. Review status: criteria provided, single submitter. Criteria: LabCorp Variant Classification Summary - May 2015. Collection method: clinical testing. Allele origin: germline.
Comment: Variant summary: PIEZO2 c.5511C>A (p.Phe1837Leu) results in a non-conservative amino acid change in the encoded protein sequence. Four of five in-silico tools predict a benign effect of the variant on protein function. The variant was absent in 141898 control chromosomes. The available data on variant occurrences in the general population are insufficient to allow any conclusion about variant significance. To our knowledge, no occurrence of c.5511C>A in individuals affected with Arthrogryposis, distal, with impaired proprioception and touch and no experimental evidence demonstrating its impact on protein function have been reported. No submitters have cited clinical-significance assessments for this variant to ClinVar. Based on the evidence outlined above, the variant was classified as uncertain significance.

NM_001378183.1(PIEZO2):c.5850C>A (p.Phe1950Leu)

Gene: PIEZO2 (piezo type mechanosensitive ion channel component 2; minus strand). Cytogenetic location: 18p11.22.
Variant type: single nucleotide variant.
Coding change: c.5850C>A on transcript NM_001378183.1 (MANE Select); coding-DNA position 5850, C replaced by A.
Protein change: p.Phe1950Leu; replaces phenylalanine 1950 with leucine.
Molecular consequence: missense variant.
Genome position (GRCh38, 1-based): chr18:10,705,485, G>T on the plus strand (C>A on the coding strand, the complement: PIEZO2 is on the minus strand). VCF-style: chr18-10705485-G-T. GRCh37 (hg19) VCF-style: chr18-10705483-G-T.
Other names: c.5586C>A, p.Phe1862Leu (NM_001410871.1); c.5511C>A, p.Phe1837Leu (NM_022068.4); short protein forms F1837L, F1862L, F1950L.
Identifiers: ClinVar variation 3768162 (VCV003768162.1).
Genomic context (GRCh38, chr18:10,705,485, plus strand): 5'-GCTGACTGCCATACGGTTCTTGCCTGCAGAGTCGTCCTGCGAGCCGAAGGACAGATGCTC[G>T]AAGCTCACAGCCTTGCTGTAGGAGGGTGGGGCCTCCACATCCCCGTCCAAGGTGGAGAAC-3'
Protein context (NP_001365112.1, residues 1940-1960): APPSYSKAVS[Phe1950Leu]EHLSFGSQDD